The following is an entry in ClinVar:

ClinVar aggregate classification (germline): Uncertain significance (1 of 4 stars; one submission).

gnomAD v4.1: 10 of 1,613,734 alleles (0.00062%); highest among the groups gnomAD compares: Admixed American, 0.0017%; no homozygotes.

Submission:

Ambry Genetics
Classification: Uncertain significance. Last evaluated: 2025-05-20. Review status: criteria provided, single submitter. Criteria: Ambry Variant Classification Scheme 2023. Collection method: clinical testing. Allele origin: germline.
Comment: The p.S375C variant (also known as c.1124C>G), located in coding exon 2 of the CDK12 gene, results from a C to G substitution at nucleotide position 1124. The serine at codon 375 is replaced by cysteine, an amino acid with dissimilar properties. This amino acid position is conserved. In addition, this alteration is predicted to be tolerated by in silico analysis. Based on the available evidence, the clinical significance of this variant remains unclear.

NM_016507.4(CDK12):c.1124C>G (p.Ser375Cys)

Gene: CDK12 (cyclin dependent kinase 12; plus strand). Cytogenetic location: 17q12.
Variant type: single nucleotide variant.
Coding change: c.1124C>G on transcript NM_016507.4 (MANE Select); coding-DNA position 1124, C replaced by G.
Protein change: p.Ser375Cys; replaces serine 375 with cysteine.
Molecular consequence: missense variant.
Genome position (GRCh38, 1-based): chr17:39,470,956, C>G. VCF-style: chr17-39470956-C-G. GRCh37 (hg19) VCF-style: chr17-37627209-C-G.
Other names: c.1124C>G, p.Ser375Cys (NM_015083.4); short protein forms S375C.
Identifiers: ClinVar variation 3999477 (VCV003999477.1).